The following is an entry in ClinVar:

NM_001009944.3(PKD1):c.7066-5G>T

Gene: PKD1 (polycystin 1, transient receptor potential channel interacting; minus strand). Cytogenetic location: 16p13.3.
Variant type: single nucleotide variant.
Coding change: c.7066-5G>T on transcript NM_001009944.3 (MANE Select); 5 bases into the intron before coding-DNA position 7066, G replaced by T.
Molecular consequence: intron variant.
Genome position (GRCh38, 1-based): chr16:2,106,953, C>A on the plus strand (G>T on the coding strand, the complement: PKD1 is on the minus strand). VCF-style: chr16-2106953-C-A. GRCh37 (hg19) VCF-style: chr16-2156954-C-A.
Other names: c.7066-5G>T (NM_000296.4).
Identifiers: ClinVar variation 4979149 (VCV004979149.1).

ClinVar aggregate classification (germline): Likely benign (1 of 4 stars; one submission).

Conditions:
PKD1-related disorder. Also called: PKD1-related condition.

gnomAD v4.1: 161 of 1,584,940 alleles (0.01%); highest among the groups gnomAD compares: Non-Finnish European, 0.013%; no homozygotes.

Submission:

PreventionGenetics, part of Exact Sciences
Classification: Likely benign for PKD1-related condition. Last evaluated: 2026-05-14. Review status: criteria provided, single submitter. Criteria: ACMG Guidelines, 2015. Collection method: clinical testing. Allele origin: germline.
Comment: This variant is classified as likely benign based on ACMG/AMP sequence variant interpretation guidelines (Richards et al. 2015 PMID: 25741868, with internal and published modifications).